The following is an entry in ClinVar:

NM_015047.3(EMC1):c.1850C>A (p.Pro617Gln)

Genes: EMC1 (ER membrane protein complex subunit 1; minus strand), EMC1-AS1 (EMC1 antisense RNA 1; plus strand). Cytogenetic location: 1p36.13.
Variant type: single nucleotide variant.
Coding change: c.1850C>A on transcript NM_015047.3 (MANE Select); coding-DNA position 1850, C replaced by A.
Protein change: p.Pro617Gln; replaces proline 617 with glutamine.
Molecular consequence: missense variant.
Genome position (GRCh38, 1-based): chr1:19,231,355, G>T on the plus strand (C>A on the coding strand, the complement: EMC1 is on the minus strand). VCF-style: chr1-19231355-G-T. GRCh37 (hg19) VCF-style: chr1-19557849-G-T.
Other names: c.1847C>A, p.Pro616Gln (NM_001271427.2, NM_001271428.2); c.1784C>A, p.Pro595Gln (NM_001271429.2); c.1859C>A, p.Pro620Gln (NM_001375820.1); c.1856C>A, p.Pro619Gln (NM_001375821.1); short protein forms P616Q, P617Q, P595Q, P619Q, P620Q.
Identifiers: ClinVar variation 845603 (VCV000845603.10), dbSNP rs565316334, ClinGen allele CA652482.

ClinVar aggregate classification (germline): Uncertain significance (1 of 4 stars; one submission).

Allele frequency attached by ClinVar (database versions not stated): TOPMed 0.00004; 1000 Genomes Project 30x 0.00047; 1000 Genomes Project 0.00060.
gnomAD v4.1: 20 of 1,612,752 alleles (0.0012%); highest among the groups gnomAD compares: East Asian, 0.036%; no homozygotes.

Submission:

Labcorp Genetics (formerly Invitae), Labcorp
Classification: Uncertain significance. Last evaluated: 2023-01-24. Review status: criteria provided, single submitter. Criteria: Invitae Variant Classification Sherloc (09022015). Collection method: clinical testing. Allele origin: germline.
Comment: This sequence change replaces proline, which is neutral and non-polar, with glutamine, which is neutral and polar, at codon 617 of the EMC1 protein (p.Pro617Gln). In summary, the available evidence is currently insufficient to determine the role of this variant in disease. Therefore, it has been classified as a Variant of Uncertain Significance. Advanced modeling of protein sequence and biophysical properties (such as structural, functional, and spatial information, amino acid conservation, physicochemical variation, residue mobility, and thermodynamic stability) performed at Invitae indicates that this missense variant is not expected to disrupt EMC1 protein function. ClinVar contains an entry for this variant (Variation ID: 845603). This variant has not been reported in the literature in individuals affected with EMC1-related conditions. This variant is present in population databases (rs565316334, gnomAD 0.07%).